The following is an entry in ClinVar:

NM_002291.3(LAMB1):c.1242T>A (p.Tyr414Ter)

Gene: LAMB1 (laminin subunit beta 1; minus strand). Cytogenetic location: 7q31.1.
Variant type: single nucleotide variant.
Coding change: c.1242T>A on transcript NM_002291.3 (MANE Select); coding-DNA position 1242, T replaced by A.
Protein change: p.Tyr414Ter; replaces tyrosine 414 with a stop codon.
Molecular consequence: nonsense.
Genome position (GRCh38, 1-based): chr7:107,975,361, A>T on the plus strand (T>A on the coding strand, the complement: LAMB1 is on the minus strand). VCF-style: chr7-107975361-A-T. GRCh37 (hg19) VCF-style: chr7-107615806-A-T.
Other names: short protein forms Y414*.
Identifiers: ClinVar variation 2097634 (VCV002097634.4), dbSNP rs2535485381, ClinGen allele CA368877757.

ClinVar aggregate classification (germline): Pathogenic (1 of 4 stars; one submission).

Submission:

Labcorp Genetics (formerly Invitae), Labcorp
Classification: Pathogenic. Last evaluated: 2023-07-17. Review status: criteria provided, single submitter. Criteria: Invitae Variant Classification Sherloc (09022015). Collection method: clinical testing. Allele origin: germline.
Comment: For these reasons, this variant has been classified as Pathogenic. ClinVar contains an entry for this variant (Variation ID: 2097634). This variant has not been reported in the literature in individuals affected with LAMB1-related conditions. This variant is not present in population databases (gnomAD no frequency). This sequence change creates a premature translational stop signal (p.Tyr414*) in the LAMB1 gene. It is expected to result in an absent or disrupted protein product. Loss-of-function variants in LAMB1 are known to be pathogenic (PMID: 23472759, 25925986).

Literature cited by the submitters: PubMed 23472759; PubMed 25925986.